The following is an entry in ClinVar:

NM_000642.3(AGL):c.1810T>G (p.Phe604Val)

Gene: AGL (amylo-alpha-1,6-glucosidase and 4-alpha-glucanotransferase; plus strand). Cytogenetic location: 1p21.2.
Variant type: single nucleotide variant.
Coding change: c.1810T>G on transcript NM_000642.3 (MANE Select); coding-DNA position 1810, T replaced by G.
Protein change: p.Phe604Val; replaces phenylalanine 604 with valine.
Molecular consequence: missense variant.
Genome position (GRCh38, 1-based): chr1:99,880,706, T>G. VCF-style: chr1-99880706-T-G. GRCh37 (hg19) VCF-style: chr1-100346262-T-G.
Other names: c.1810T>G, p.Phe604Val (NM_000028.3, NM_000643.3, NM_000644.3 and 2 more transcripts); c.1762T>G, p.Phe588Val (NM_000646.3); c.1609T>G, p.Phe537Val (NM_001425327.1); c.1606T>G, p.Phe536Val (NM_001425328.1, NM_001425329.1); c.1432T>G, p.Phe478Val (NM_001425332.1); short protein forms F604V, F588V, F478V, F536V, F537V.
Identifiers: ClinVar variation 456459 (VCV000456459.30), dbSNP rs138105395, ClinGen allele CA966599.

ClinVar aggregate classification (germline): Conflicting classifications of pathogenicity. Review status: criteria provided, conflicting classifications (1 of 4 stars). 8 submissions from 8 submitters: Uncertain significance (3); Likely benign (4). 1 of the submissions does not count toward it. Last evaluated 2026-01-24.

Conditions:
AGL-related disorder. Also called: AGL-related condition.
Inborn genetic diseases. Identifiers: MedGen C0950123, MeSH D030342.
Glycogen storage disease type III (GSD3). Also called: Cori disease; FORBES DISEASE. Identifiers: Orphanet 366, MedGen C0017922, MONDO:0009291, OMIM 232400.

Allele frequency attached by ClinVar (database versions not stated): gnomAD exomes 0.00010 and 0.00027; ExAC 0.00039; 1000 Genomes Project 30x 0.00094; TOPMed 0.00108; gnomAD 0.00113 and 0.00125; ESP Exome Variant Server 0.00115; 1000 Genomes Project 0.00120.
gnomAD v4.1: 328 of 1,614,066 alleles (0.02%); highest among the groups gnomAD compares: African/African-American, 0.39%; 1 homozygote.

Submissions (8):

Labcorp Genetics (formerly Invitae), Labcorp
Classification: Likely benign for Glycogen storage disease type III. Last evaluated: 2026-01-24. Review status: criteria provided, single submitter. Criteria: Invitae Variant Classification Sherloc (09022015). Collection method: clinical testing. Allele origin: germline.

GeneDx
Classification: Uncertain significance. Last evaluated: 2025-05-01. Review status: criteria provided, single submitter. Criteria: GeneDx Variant Classification Process June 2021. Collection method: clinical testing. Allele origin: germline. Affected: yes.
Comment: In silico analysis supports that this missense variant has a deleterious effect on protein structure/function; Has not been previously published as pathogenic or benign to our knowledge

Blueprint Genetics
Classification: Likely benign. Last evaluated: 2024-09-24. Review status: criteria provided, single submitter. Criteria: ACMG Guidelines, 2015. Collection method: clinical testing. Allele origin: germline.

Ambry Genetics
Classification: Likely benign for Inborn genetic diseases. Last evaluated: 2021-11-09. Review status: criteria provided, single submitter. Criteria: Ambry Variant Classification Scheme 2023. Collection method: clinical testing. Allele origin: germline.

ARUP Laboratories, Molecular Genetics and Genomics, ARUP Laboratories
Classification: Uncertain significance. Last evaluated: 2021-07-21. Review status: criteria provided, single submitter. Criteria: ARUP Molecular Germline Variant Investigation Process 2021. Collection method: clinical testing. Allele origin: germline.
Comment: The AGL c.1810T>G; p.Phe604Val variant (rs138105395), to our knowledge, is not reported in the medical literature but is reported in ClinVar (Variation ID: 456459). This variant is found in the African population with an overall allele frequency of 0.41% (103/24974 alleles, including one homozygote) in the Genome Aggregation Database. The phenylalanine at codon 604 is moderately conserved, and computational analyses predict that this variant is deleterious (REVEL: 0.825). However, due to limited information, the clinical significance of the p.Phe604Val variant is uncertain at this time.

Genome-Nilou Lab
Classification: Likely benign for Glycogen storage disease type III. Last evaluated: 2021-07-15. Review status: criteria provided, single submitter. Criteria: ACMG Guidelines, 2015. Collection method: clinical testing. Allele origin: germline. Affected: no.

Mayo Clinic Laboratories, Mayo Clinic
Classification: Uncertain significance. Last evaluated: 2020-03-09. Review status: criteria provided, single submitter. Criteria: ACMG Guidelines, 2015. Collection method: clinical testing. Allele origin: germline. Observed: 1 variant allele.

PreventionGenetics, part of Exact Sciences
Classification: Likely benign for AGL-related condition. Last evaluated: 2020-08-25. Review status: no assertion criteria provided. Collection method: clinical testing. Allele origin: germline. Not counted in ClinVar's aggregate classification.
Comment: This variant is classified as likely benign based on ACMG/AMP sequence variant interpretation guidelines (Richards et al. 2015 PMID: 25741868, with internal and published modifications).